The following is an entry in ClinVar:

ClinVar aggregate classification (germline): Uncertain significance. Review status: criteria provided, multiple submitters, no conflicts (2 of 4 stars). 4 submissions from 4 submitters: Uncertain significance (4). Last evaluated 2025-10-21.

Conditions:
VPS13B-related disorder. Also called: VPS13B-related condition.
Cohen syndrome (COH1). Also called: Cutis verticis gyrata, retinitis pigmentosa, and sensorineural deafness; PEPPER SYNDROME. Identifiers: Orphanet 193, MedGen C0265223, MONDO:0008999, OMIM 216550.

Allele frequency attached by ClinVar (database versions not stated): gnomAD exomes below 0.00001; gnomAD 0.00001; TOPMed 0.00001.
gnomAD v4.1: 7 of 1,613,480 alleles (0.00043%); highest among the groups gnomAD compares: Non-Finnish European, 0.00059%; no homozygotes.

Submissions (4):

PreventionGenetics, part of Exact Sciences
Classification: Uncertain significance for VPS13B-related condition. Last evaluated: 2025-10-21. Review status: criteria provided, single submitter. Criteria: ACMG Guidelines, 2015. Collection method: clinical testing. Allele origin: germline.
Comment: The VPS13B c.1668A>T variant is predicted to result in the amino acid substitution p.Gln556His. To our knowledge, this variant has not been reported in the literature. This variant is reported in 0.00088% of alleles in individuals of European (Non-Finnish) descent in gnomAD. At this time, the clinical significance of this variant is uncertain due to the absence of conclusive functional and genetic evidence.

Blueprint Genetics
Classification: Uncertain significance. Last evaluated: 2024-01-29. Review status: criteria provided, single submitter. Criteria: ACMG Guidelines, 2015. Collection method: clinical testing. Allele origin: germline.

Labcorp Genetics (formerly Invitae), Labcorp
Classification: Uncertain significance for Cohen syndrome. Last evaluated: 2022-06-05. Review status: criteria provided, single submitter. Criteria: Invitae Variant Classification Sherloc (09022015). Collection method: clinical testing. Allele origin: germline.
Comment: This sequence change replaces glutamine, which is neutral and polar, with histidine, which is basic and polar, at codon 556 of the VPS13B protein (p.Gln556His). This variant is present in population databases (rs756072319, gnomAD 0.0009%). This variant has not been reported in the literature in individuals affected with VPS13B-related conditions. ClinVar contains an entry for this variant (Variation ID: 911328). Algorithms developed to predict the effect of missense changes on protein structure and function are either unavailable or do not agree on the potential impact of this missense change (SIFT: "Not Available"; PolyPhen-2: "Possibly Damaging"; Align-GVGD: "Not Available"). In summary, the available evidence is currently insufficient to determine the role of this variant in disease. Therefore, it has been classified as a Variant of Uncertain Significance.

Illumina Laboratory Services, Illumina
Classification: Uncertain significance for Cohen syndrome. Last evaluated: 2018-01-12. Review status: criteria provided, single submitter. Criteria: ICSL Variant Classification Criteria 13 December 2019. Collection method: clinical testing. Allele origin: germline.

NM_152564.5(VPS13B):c.1668A>T (p.Gln556His)

Gene: VPS13B (vacuolar protein sorting 13 homolog B; plus strand). Cytogenetic location: 8q22.2.
Variant type: single nucleotide variant.
Coding change: c.1668A>T on transcript NM_152564.5 (MANE Select); coding-DNA position 1668, A replaced by T.
Protein change: p.Gln556His; replaces glutamine 556 with histidine.
Molecular consequence: missense variant.
Genome position (GRCh38, 1-based): chr8:99,142,990, A>T. VCF-style: chr8-99142990-A-T. GRCh37 (hg19) VCF-style: chr8-100155218-A-T.
Other names: c.1668A>T, p.Gln556His (NM_015243.3, NM_017890.5); c.1668A>T (NM_152564.4); short protein forms Q556H.
Identifiers: ClinVar variation 911328 (VCV000911328.10), dbSNP rs756072319, ClinGen allele CA182901086.